The following is an entry in ClinVar:

NM_003873.7(NRP1):c.624C>T (p.Tyr208=)

Gene: NRP1 (neuropilin 1; minus strand). Cytogenetic location: 10p11.22.
Variant type: single nucleotide variant.
Coding change: c.624C>T on transcript NM_003873.7 (MANE Select); coding-DNA position 624, C replaced by T.
Protein change: p.Tyr208=; no amino-acid change (tyrosine 208 retained).
Molecular consequence: synonymous variant. On other transcripts: non-coding transcript variant (1).
Genome position (GRCh38, 1-based): chr10:33,263,680, G>A on the plus strand (C>T on the coding strand, the complement: NRP1 is on the minus strand). VCF-style: chr10-33263680-G-A. GRCh37 (hg19) VCF-style: chr10-33552608-G-A.
Other names: c.624C>T, p.Tyr208= (NM_001024628.3, NM_001024629.3, NM_001244972.2 and 2 more transcripts).
Identifiers: ClinVar variation 4977928 (VCV004977928.1).

ClinVar aggregate classification (germline): Likely benign (1 of 4 stars; one submission).

Conditions:
NRP1-related disorder. Also called: NRP1-related condition.

gnomAD v4.1: 37 of 1,613,826 alleles (0.0023%); highest among the groups gnomAD compares: Non-Finnish European, 0.0029%; no homozygotes.

Submission:

PreventionGenetics, part of Exact Sciences
Classification: Likely benign for NRP1-related condition. Last evaluated: 2026-07-23. Review status: criteria provided, single submitter. Criteria: ACMG Guidelines, 2015. Collection method: clinical testing. Allele origin: germline.
Comment: This variant is classified as likely benign based on ACMG/AMP sequence variant interpretation guidelines (Richards et al. 2015 PMID: 25741868, with internal and published modifications).